The following is an entry in ClinVar:

ClinVar aggregate classification (germline): Conflicting classifications of pathogenicity. Review status: criteria provided, conflicting classifications (1 of 4 stars). 3 submissions from 3 submitters: Uncertain significance (2); Likely benign (1). Last evaluated 2026-01-05.

Conditions:
Long QT syndrome 11 (LQT11). Identifiers: Orphanet 101016, Orphanet 768, MedGen C2678483, MONDO:0012738, OMIM 611820.
Cardiovascular phenotype. Identifiers: MedGen CN230736.
Long QT syndrome (LQTS). Identifiers: MedGen C0023976, MeSH D008133, MONDO:0002442. Disease mechanism: loss of function. Inheritance: Various modes of inheritance.

Allele frequency attached by ClinVar (database versions not stated): gnomAD exomes 0.00004; ExAC 0.00007; TOPMed 0.00007; gnomAD 0.00008 and 0.00009; ESP Exome Variant Server 0.00015.
gnomAD v4.1: 134 of 1,614,058 alleles (0.0083%); highest among the groups gnomAD compares: Middle Eastern, 0.016%; no homozygotes.

Submissions (3):

Labcorp Genetics (formerly Invitae), Labcorp
Classification: Uncertain significance for Long QT syndrome. Last evaluated: 2026-01-05. Review status: criteria provided, single submitter. Criteria: Invitae Variant Classification Sherloc (09022015). Collection method: clinical testing. Allele origin: germline.
Comment: This sequence change replaces arginine, which is basic and polar, with glutamine, which is neutral and polar, at codon 3787 of the AKAP9 protein (p.Arg3787Gln). This variant is present in population databases (rs199880764, gnomAD 0.008%). This variant has not been reported in the literature in individuals affected with AKAP9-related conditions. ClinVar contains an entry for this variant (Variation ID: 937238). An algorithm developed to predict the effect of missense changes on protein structure and function outputs the following: PolyPhen-2: "Benign". The glutamine amino acid residue is found in multiple mammalian species, which suggests that this missense change does not adversely affect protein function. In summary, the available evidence is currently insufficient to determine the role of this variant in disease. Therefore, it has been classified as a Variant of Uncertain Significance.

Ambry Genetics
Classification: Likely benign for Cardiovascular phenotype. Last evaluated: 2025-07-04. Review status: criteria provided, single submitter. Criteria: Ambry Variant Classification Scheme 2023. Collection method: clinical testing. Allele origin: germline.

Revvity Omics, Revvity
Classification: Uncertain significance for Long QT syndrome 11. Last evaluated: 2022-10-17. Review status: criteria provided, single submitter. Criteria: ACMG Guidelines, 2015. Collection method: clinical testing. Allele origin: germline.

NM_005751.5(AKAP9):c.11360G>A (p.Arg3787Gln)

Gene: AKAP9 (A-kinase anchoring protein 9; plus strand). Cytogenetic location: 7q21.2.
Variant type: single nucleotide variant.
Coding change: c.11360G>A on transcript NM_005751.5 (MANE Select); coding-DNA position 11360, G replaced by A.
Protein change: p.Arg3787Gln; replaces arginine 3787 with glutamine.
Molecular consequence: missense variant.
Genome position (GRCh38, 1-based): chr7:92,105,707, G>A. VCF-style: chr7-92105707-G-A. GRCh37 (hg19) VCF-style: chr7-91735021-G-A.
Other names: c.6005G>A, p.Arg2002Gln (NM_001379277.1); c.11336G>A, p.Arg3779Gln (NM_147185.3); short protein forms R3779Q, R3787Q, R2002Q.
Identifiers: ClinVar variation 937238 (VCV000937238.16), dbSNP rs199880764, ClinGen allele CA4338179.
Genomic context (GRCh38, chr7:92,105,707, plus strand): 5'-CTGTGAAATTTTATCTTGGAATCTTTTTTAGAATGAAATTTTTGGTTCGACGGTGGCATC[G>A]AGTCACAGGTTCTGTTTCCATCAATATTAACAGAGATGGCTTTGGACTGAATCAAGGTGA-3'
Protein context (NP_005742.4, residues 3777-3797): RMKFLVRRWH[Arg3787Gln]VTGSVSININ